The following is an entry in ClinVar:

NM_004667.6(HERC2):c.4114G>A (p.Ala1372Thr)

Gene: HERC2 (HECT and RLD domain containing E3 ubiquitin protein ligase 2; minus strand). Cytogenetic location: 15q13.1.
Variant type: single nucleotide variant.
Coding change: c.4114G>A on transcript NM_004667.6 (MANE Select); coding-DNA position 4114, G replaced by A.
Protein change: p.Ala1372Thr; replaces alanine 1372 with threonine.
Molecular consequence: missense variant.
Genome position (GRCh38, 1-based): chr15:28,234,174, C>T on the plus strand (G>A on the coding strand, the complement: HERC2 is on the minus strand). VCF-style: chr15-28234174-C-T. GRCh37 (hg19) VCF-style: chr15-28479320-C-T.
Other names: short protein forms A1372T.
Identifiers: ClinVar variation 5020929 (VCV005020929.1).
Genomic context (GRCh38, chr15:28,234,174, plus strand): 5'-GAAATGCCTGGGAATGGTCCCCCAGGGCCCGTCTGTGGGAGCAGAGTCGAGATTTGCTGG[C>T]AGGTGTGCCCCCTGGGGAGCTGCAGTGGTCCTCGTCTTTCTCCTCGTTGTAGCTGTAGTG-3'
Protein context (NP_004658.3, residues 1362-1382): DHCSSPGGTP[Ala1372Thr]SKSRLCSHRR

ClinVar aggregate classification (germline): Uncertain significance (1 of 4 stars; one submission).

Submission:

Dasa
Classification: Uncertain significance. Last evaluated: 2025-06-25. Review status: criteria provided, single submitter. Criteria: DASA Assertion Criteria. Collection method: clinical testing. Allele origin: germline.
Comment: NM_004667.6(HERC2):c.4114G>A (p.Ala1372Thr) is a missense variant that results in the substitution of alanine with threonine. This variant is absent from population databases. Computational prediction algorithms are consistent with a benign effect. The currently available literature and clinical evidence are not sufficient to establish a definitive association between this variant and the reported condition. Therefore, this variant is classified as a variant of uncertain significance.